The following is an entry in ClinVar:

NM_000059.4(BRCA2):c.8999T>G (p.Leu3000Ter)

Gene: BRCA2 (BRCA2 DNA repair associated; plus strand). Cytogenetic location: 13q13.1.
Variant type: single nucleotide variant.
Coding change: c.8999T>G on transcript NM_000059.4 (MANE Select); coding-DNA position 8999, T replaced by G.
Protein change: p.Leu3000Ter; replaces leucine 3000 with a stop codon.
Molecular consequence: nonsense.
Genome position (GRCh38, 1-based): chr13:32,379,795, T>G. VCF-style: chr13-32379795-T-G. GRCh37 (hg19) VCF-style: chr13-32953932-T-G.
Other names: short protein forms L3000*.
Identifiers: ClinVar variation 822870 (VCV000822870.4), dbSNP rs80359151, ClinGen allele CA387757441.

ClinVar aggregate classification (germline): Pathogenic (1 of 4 stars; one submission).

Conditions:
Hereditary cancer-predisposing syndrome. Also called: Tumor predisposition; Hereditary Cancer Syndrome; Neoplastic Syndromes, Hereditary; Hereditary neoplastic syndrome. Identifiers: Orphanet 140162, MedGen C0027672, MeSH D009386, MONDO:0015356.

gnomAD v4.1: 1 of 1,612,560 alleles (0.000062%); highest among the groups gnomAD compares: Admixed American, 0.0017%; no homozygotes.

Submission:

Ambry Genetics
Classification: Pathogenic for Hereditary cancer-predisposing syndrome. Last evaluated: 2019-08-27. Review status: criteria provided, single submitter. Criteria: Ambry Variant Classification Scheme 2023. Collection method: clinical testing. Allele origin: germline.
Comment: The p.L3000* pathogenic mutation (also known as c.8999T>G), located in coding exon 22 of the BRCA2 gene, results from a T to G substitution at nucleotide position 8999. This changes the amino acid from a leucine to a stop codon within coding exon 22. While this exact alteration has not been reported in the literature, a different mutation resulting in the same stop codon (c.8999T>A) has been reported in individuals with medulloblastoma, including in one family with several individuals with breast cancer and one individual with pancreatic cancer in which all affected cases from three generations were confirmed mutation-positive or obligate carriers. (Zhang et al. N. Engl. J. Med. 2015 Dec;373(24):2336-2346; Grobner et al. Nature 2018 03;555(7696):321-327). In addition to the clinical data presented in the literature, this alteration is expected to result in loss of function by premature protein truncation or nonsense-mediated mRNA decay. As such, this alteration is interpreted as a disease-causing mutation.